The following is an entry in ClinVar:

ClinVar aggregate classification (germline): Uncertain significance (1 of 4 stars; one submission).

Submission:

Labcorp Genetics (formerly Invitae), Labcorp
Classification: Uncertain significance. Last evaluated: 2025-03-29. Review status: criteria provided, single submitter. Criteria: Invitae Variant Classification Sherloc (09022015). Collection method: clinical testing. Allele origin: germline.
Comment: This variant, c.738_746del, results in the deletion of 3 amino acid(s) of the SOX11 protein (p.Asp247_Glu249del), but otherwise preserves the integrity of the reading frame. This variant is present in population databases (no rsID available, gnomAD 0.007%). This variant has not been reported in the literature in individuals affected with SOX11-related conditions. Experimental studies and prediction algorithms are not available or were not evaluated, and the functional significance of this variant is currently unknown. In summary, the available evidence is currently insufficient to determine the role of this variant in disease. Therefore, it has been classified as a Variant of Uncertain Significance.

NM_003108.4(SOX11):c.729GGACGAGGA[1] (p.244DEE[1])

Gene: SOX11 (SRY-box transcription factor 11; plus strand). Cytogenetic location: 2p25.2.
Variant type: Microsatellite.
Coding change: c.729GGACGAGGA[1] on transcript NM_003108.4 (MANE Select); one copy of the 9-base unit GGACGAGGA starting at c.729; the reference has two copies in a row; one copy, 9 bases deleted.
Protein change: p.244DEE[1].
Molecular consequence: inframe deletion.
Genome position (GRCh38, 1-based): chr2:5,693,459-5,693,467, GGACGAGGA deleted; deleting any 9 consecutive bases within chr2:5,693,450-5,693,467 gives the same sequence; the position shown is the placement nearest the transcript's 3' end. VCF-style (leftmost placement, unchanged base first): chr2-5693449-CGGACGAGGA-C. GRCh37 (hg19) VCF-style: chr2-5833581-CGGACGAGGA-C.
Identifiers: ClinVar variation 4716245 (VCV004716245.1).